The following is an entry in ClinVar:

ClinVar aggregate classification (germline): Likely pathogenic (1 of 4 stars; one submission).

Conditions:
Familial adenomatous polyposis 4 (FAP4). Also called: MSH3-related attenuated familial adenomatous polyposis. Identifiers: Orphanet 480536, MedGen C4310719, MONDO:0044300, OMIM 617100.

Submission:

Myriad Genetics, Inc.
Classification: Likely pathogenic for Familial adenomatous polyposis 4. Last evaluated: 2024-04-24. Review status: criteria provided, single submitter. Criteria: Myriad Autosomal Dominant, Autosomal Recessive and X-Linked Classification Criteria (2023). Collection method: clinical testing. Allele origin: unknown.
Comment: This variant is considered likely pathogenic. This variant occurs within a consensus splice junction and is predicted to result in abnormal mRNA splicing of either an out-of-frame exon or an in-frame exon necessary for protein stability and/or normal function.

NM_002439.5(MSH3):c.2084+1G>T

Gene: MSH3 (mutS homolog 3; plus strand). Cytogenetic location: 5q14.1.
Variant type: single nucleotide variant.
Coding change: c.2084+1G>T on transcript NM_002439.5 (MANE Select); the canonical splice donor site of the intron after coding-DNA position 2084, G replaced by T.
Molecular consequence: splice donor variant.
Genome position (GRCh38, 1-based): chr5:80,768,121, G>T. VCF-style: chr5-80768121-G-T. GRCh37 (hg19) VCF-style: chr5-80063940-G-T.
Identifiers: ClinVar variation 3254266 (VCV003254266.1), dbSNP rs2112884587.
Genomic context (GRCh38, chr5:80,768,121, plus strand): 5'-TCCTGAACTCCTCAGTCCAGTGGAGCATTACTTAAAGATACTCAATGAACAAGCTGCCAA[G>T]TAAGTACCAGACCCTGAATTCTTCCTTTTCACCAGTCAGTATAATTCAGTGCATTTGCCA-3'